The following is an entry in ClinVar:

NM_000492.4(CFTR):c.1235C>A (p.Ala412Glu)

Genes: CFTR (CF transmembrane conductance regulator; plus strand), CFTR-AS1 (CFTR antisense RNA 1; minus strand). Cytogenetic location: 7q31.2.
Variant type: single nucleotide variant.
Coding change: c.1235C>A on transcript NM_000492.4 (MANE Select); coding-DNA position 1235, C replaced by A.
Protein change: p.Ala412Glu; replaces alanine 412 with glutamic acid.
Molecular consequence: missense variant.
Genome position (GRCh38, 1-based): chr7:117,548,666, C>A. VCF-style: chr7-117548666-C-A. GRCh37 (hg19) VCF-style: chr7-117188720-C-A.
Other names: short protein forms A412E.
Identifiers: ClinVar variation 3491698 (VCV003491698.1).

ClinVar aggregate classification (germline): Uncertain significance (1 of 4 stars; one submission).

Conditions:
Cystic fibrosis (CF). Also called: MUCOVISCIDOSIS. Identifiers: Orphanet 586, MedGen C0010674, MONDO:0009061, OMIM 219700. Disease mechanism: loss of function.

Submission:

Ambry Genetics
Classification: Uncertain significance for Cystic fibrosis. Last evaluated: 2024-11-05. Review status: criteria provided, single submitter. Criteria: Ambry Variant Classification Scheme 2023. Collection method: clinical testing. Allele origin: germline.
Comment: The p.A412E variant (also known as c.1235C>A), located in coding exon 10 of the CFTR gene, results from a C to A substitution at nucleotide position 1235. The alanine at codon 412 is replaced by glutamic acid, an amino acid with dissimilar properties. This amino acid position is conserved. In addition, the in silico prediction for this alteration is inconclusive. Based on the available evidence, the clinical significance of this variant remains unclear.